The following is an entry in ClinVar:

NM_001374736.1(DST):c.14033C>T (p.Thr4678Ile)

Gene: DST (dystonin; minus strand). Cytogenetic location: 6p12.1.
Variant type: single nucleotide variant.
Coding change: c.14033C>T on transcript NM_001374736.1 (MANE Select); coding-DNA position 14033, C replaced by T.
Protein change: p.Thr4678Ile; replaces threonine 4678 with isoleucine.
Molecular consequence: missense variant.
Genome position (GRCh38, 1-based): chr6:56,562,173, G>A on the plus strand (C>T on the coding strand, the complement: DST is on the minus strand). VCF-style: chr6-56562173-G-A. GRCh37 (hg19) VCF-style: chr6-56426971-G-A.
Other names: c.7676C>T, p.Thr2559Ile (NM_001144769.5); c.7262C>T, p.Thr2421Ile (NM_001144770.2); c.14033C>T, p.Thr4678Ile (NM_001374722.1); c.13400C>T, p.Thr4467Ile (NM_001374729.1); c.7142C>T, p.Thr2381Ile (NM_001374730.1, NM_001386100.1, NM_183380.4); c.14060C>T, p.Thr4687Ile (NM_001374734.1); c.6164C>T, p.Thr2055Ile (NM_015548.5); short protein forms T2055I, T2381I, T2421I, T2559I, T4467I, T4678I, T4687I.
Identifiers: ClinVar variation 1022585 (VCV001022585.9), dbSNP rs1382596937, ClinGen allele CA364523248.

ClinVar aggregate classification (germline): Uncertain significance. Review status: criteria provided, multiple submitters, no conflicts (2 of 4 stars). 2 submissions from 2 submitters: Uncertain significance (2). Last evaluated 2020-07-14.

Conditions:
Inborn genetic diseases. Identifiers: MedGen C0950123, MeSH D030342.
Hereditary sensory and autonomic neuropathy type 6. Also called: Neuropathy, hereditary sensory and autonomic, type VI; HSAN VI. Identifiers: Orphanet 314381, MedGen C3539003, MONDO:0013839, OMIM 614653.
Epidermolysis bullosa simplex 3, localized or generalized intermediate, with BP230 deficiency (EBS3). Also called: Epidermolysis bullosa simplex due to BP230 deficiency; Epidermolysis bullosa simplex, autosomal recessive 2. Identifiers: Orphanet 412181, MedGen C3809470, MONDO:0014180, OMIM 615425.

Allele frequency attached by ClinVar (database versions not stated): gnomAD 0.00001; TOPMed 0.00001.
gnomAD v4.1: 3 of 1,555,526 alleles (0.00019%); highest among the groups gnomAD compares: African/African-American, 0.0027%; no homozygotes.

Submissions (2):

Labcorp Genetics (formerly Invitae), Labcorp
Classification: Uncertain significance for Epidermolysis bullosa simplex 3, localized or generalized intermediate, with BP230 deficiency; Hereditary sensory and autonomic neuropathy type 6. Last evaluated: 2020-07-14. Review status: criteria provided, single submitter. Criteria: Invitae Variant Classification Sherloc (09022015). Collection method: clinical testing. Allele origin: germline.
Comment: This sequence change replaces threonine with isoleucine at codon 2055 of the DST protein (p.Thr2055Ile). The threonine residue is moderately conserved and there is a moderate physicochemical difference between the two amino acids. The DST gene has multiple clinically relevant transcripts. This variant occurs in alternate transcript NM_015548.4, and corresponds to NM_001723.5:c.*53344C>T in the primary transcript. This variant is not present in population databases (ExAC no frequency). This variant has not been reported in the literature in individuals with DST-related conditions. Experimental studies and prediction algorithms are not available or were not evaluated, and the functional significance of this variant is currently unknown. In summary, the available evidence is currently insufficient to determine the role of this variant in disease. Therefore, it has been classified as a Variant of Uncertain Significance.

Ambry Genetics
Classification: Uncertain significance for Inborn genetic diseases. Last evaluated: 2019-11-22. Review status: criteria provided, single submitter. Criteria: Ambry Variant Classification Scheme 2023. Collection method: clinical testing. Allele origin: germline.
Comment: The p.T2559I variant (also known as c.7676C>T), located in coding exon 50 of the DST gene, results from a C to T substitution at nucleotide position 7676. The threonine at codon 2559 is replaced by isoleucine, an amino acid with similar properties. This amino acid position is not well conserved in available vertebrate species. In addition, this alteration is predicted to be tolerated by in silico analysis. Since supporting evidence is limited at this time, the clinical significance of this alteration remains unclear.